The following is an entry in ClinVar:

ClinVar aggregate classification (germline): Likely pathogenic (1 of 4 stars; one submission).

Conditions:
Hypertrophic cardiomyopathy 4. Also called: Familial hypertrophic cardiomyopathy 4. Identifiers: MedGen C1861862, MONDO:0007268, OMIM 115197.

Submission:

3billion
Classification: Likely pathogenic for Hypertrophic cardiomyopathy 4. Last evaluated: 2022-09-01. Review status: criteria provided, single submitter. Criteria: ACMG Guidelines, 2015. Collection method: clinical testing. Allele origin: germline. Affected: yes. Observed: 1 heterozygote.
Comment: The variant is not observed in the gnomAD v2.1.1 dataset. It is predicted to result in a loss or disruption of normal protein function through nonsense-mediated decay (NMD) or protein truncation. Multiple pathogenic variants are reported downstream of the variant. Therefore, this variant is classified as Likely pathogenic according to the recommendation of ACMG/AMP guideline.

NM_000256.3(MYBPC3):c.2449del (p.Arg817fs)

Gene: MYBPC3 (myosin binding protein C3; minus strand). Cytogenetic location: 11p11.2.
Variant type: Deletion.
Coding change: c.2449del on transcript NM_000256.3 (MANE Select); coding-DNA position 2449, one base deleted (C; older notation c.2449delC).
Protein change: p.Arg817fs; shifts the reading frame from arginine 817.
Molecular consequence: frameshift variant.
Genome position (GRCh38, 1-based): chr11:47,337,544, G deleted on the plus strand (C on the coding strand, the reverse complement: MYBPC3 is on the minus strand); the first of 2 consecutive G bases (chr11:47,337,544-47,337,545); deleting either gives the same sequence. VCF-style (leftmost placement, unchanged base first): chr11-47337543-CG-C. GRCh37 (hg19) VCF-style: chr11-47359094-CG-C.
Other names: short protein forms R817fs.
Identifiers: ClinVar variation 1705387 (VCV001705387.1), dbSNP rs2495749842, ClinGen allele CA2580084291.